The following is an entry in ClinVar:

ClinVar aggregate classification (germline): Conflicting classifications of pathogenicity. Review status: criteria provided, conflicting classifications (1 of 4 stars). 5 submissions from 5 submitters: Pathogenic (1); Likely pathogenic (3); Uncertain significance (1). Last evaluated 2026-02-26.

Conditions:
Spondyloperipheral dysplasia. Also called: SPONDYLOPERIPHERAL DYSPLASIA WITH SHORT ULNA; Spondyloperipheral dysplasia-short ulna syndrome. Identifiers: Orphanet 1856, MedGen C0796173, MONDO:0010078, OMIM 271700.
Inborn genetic diseases. Identifiers: MedGen C0950123, MeSH D030342.
Achondrogenesis type II (ACG2). Also called: ACHONDROGENESIS, LANGER-SALDINO TYPE; CHONDROGENESIS IMPERFECTA. Identifiers: Orphanet 932, Orphanet 93296, MedGen C0220685, MONDO:0008702, OMIM 200610.
Avascular necrosis of femoral head, primary, 1 (ANFH1). Also called: Avascular necrosis of femoral head, primary. Identifiers: Orphanet 86820, MedGen C4551562, MONDO:0054550, OMIM 608805.
Multiple epiphyseal dysplasia, Beighton type. Identifiers: Orphanet 166011, MedGen C1851536, MONDO:0007562, OMIM 132450.
Stickler syndrome type 1 (STL1). Also called: ARTHROOPHTHALMOPATHY, HEREDITARY PROGRESSIVE; STICKLER SYNDROME, MEMBRANOUS VITREOUS TYPE; STICKLER SYNDROME, VITREOUS TYPE 1; COL2A1-Related Stickler Syndrome. Identifiers: Orphanet 828, Orphanet 90653, MedGen C2020284, MONDO:0007160, OMIM 108300.
Platyspondylic dysplasia, Torrance type (PLSDT). Identifiers: Orphanet 85166, MedGen C1835437, MONDO:0007895, OMIM 151210.
Spondyloepiphyseal dysplasia congenita (SEDC). Also called: SED CONGENITA; SPONDYLOEPIPHYSEAL DYSPLASIA, CONGENITAL TYPE. Identifiers: Orphanet 94068, MedGen C2745959, MONDO:0008471, OMIM 183900.
Vitreoretinopathy with phalangeal epiphyseal dysplasia (VPED). Identifiers: MedGen C1852989, MONDO:0031001, OMIM 619248.
Spondyloepimetaphyseal dysplasia, Strudwick type (SEMDSTWK). Also called: DAPPLED METAPHYSIS SYNDROME; STRUDWICK SYNDROME. Identifiers: Orphanet 93346, MedGen C0700635, MONDO:0008476, OMIM 184250.
Spondyloepiphyseal dysplasia with metatarsal shortening. Also called: Pseudorheumatoid dysplasia progressive, with hypoplastic toes; CZECH DYSPLASIA, METATARSAL TYPE; SPONDYLOEPIPHYSEAL DYSPLASIA WITH PRECOCIOUS OSTEOARTHRITIS. Identifiers: Orphanet 137678, MedGen C1836683, MONDO:0012206, OMIM 609162.
Legg-Calve-Perthes disease. Also called: PERTHES DISEASE; Osteochondritis deformans; Coxa plana; Avascular necrosis of the capital femoral epiphysis. Identifiers: Orphanet 2380, MedGen C1442965, MONDO:0007885, OMIM 150600, HP:0005743.
Kniest dysplasia. Identifiers: Orphanet 485, MedGen C0265279, MONDO:0007987, OMIM 156550.
Spondyloepiphyseal dysplasia, Stanescu type. Also called: SED, STANESCU TYPE; SPONDYLOEPIMETAPHYSEAL DYSPLASIA, STANESCU TYPE. Identifiers: Orphanet 459051, MedGen C4225273, MONDO:0014701, OMIM 616583.
Namaqualand hip dysplasia (OSCDP). Also called: Mild spondyloepiphyseal dysplasia due to COL2A1 mutation with early-onset osteoarthritis. Identifiers: Orphanet 93279, MedGen C0432214, MONDO:0011496, OMIM 604864.
Stickler syndrome, type I, nonsyndromic ocular. Also called: STICKLER SYNDROME, TYPE I, PREDOMINANTLY OCULAR; STICKLER SYNDROME, ATYPICAL. Identifiers: MedGen C1836080, MONDO:0012287, OMIM 609508.

Allele frequency attached by ClinVar (database versions not stated): TOPMed below 0.00001; gnomAD 0.00001.
gnomAD v4.1: 3 of 1,613,274 alleles (0.00019%); highest among the groups gnomAD compares: African/African-American, 0.0013%; no homozygotes.

Submissions (5):

GeneDx
Classification: Likely pathogenic. Last evaluated: 2026-02-26. Review status: criteria provided, single submitter. Criteria: GeneDx Variant Classification Process June 2021. Collection method: clinical testing. Allele origin: germline.
Comment: Occurs in the triple helical domain and replaces a glycine in a canonical Gly-X-Y repeat; missense substitution of a canonical glycine residue is expected to disrupt normal protein folding and function, and this is an established mechanism of disease (PMID: 34007986); Not observed at significant frequency in large population cohorts (gnomAD); In silico analysis supports that this missense variant has a deleterious effect on protein structure/function; This variant is associated with the following publications: (PMID: 34007986)

Ambry Genetics
Classification: Uncertain significance for Inborn genetic diseases. Last evaluated: 2025-03-31. Review status: criteria provided, single submitter. Criteria: Ambry Variant Classification Scheme 2023. Collection method: clinical testing. Allele origin: germline.
Comment: The c.2131G>A (p.G711S) alteration is located in exon 33 (coding exon 33) of the COL2A1 gene. This alteration results from a G to A substitution at nucleotide position 2131, causing the glycine (G) at amino acid position 711 to be replaced by a serine (S). The COL2A1 c.2131G>A alteration was flagged as a low confidence call in the Genome Aggregation Database (gnomAD). Another variant at the same codon, c.2131G>C (p.G711R), has been identified in an individual with features consistent with the spondyloepiphyseal dysplasia, Strudwick type presentation of COL2A1-related skeletal dysplasia (Zhang, 2015). This amino acid position is highly conserved in available vertebrate species. The p.G711 amino acid is located within the triple-helical domain of the collagen type II alpha-1 protein chain, and this variants affects one of the highly conserved glycine residues in the Gly-X-Y motif that make up this domain (Ramshaw, 1998). This alteration is predicted to be deleterious by in silico analysis. Based on insufficient or conflicting evidence, the clinical significance of this alteration remains unclear.

Labcorp Genetics (formerly Invitae), Labcorp
Classification: Likely pathogenic. Last evaluated: 2025-03-20. Review status: criteria provided, single submitter. Criteria: Invitae Variant Classification Sherloc (09022015). Collection method: clinical testing. Allele origin: germline.
Comment: This sequence change replaces glycine, which is neutral and non-polar, with serine, which is neutral and polar, at codon 711 of the COL2A1 protein (p.Gly711Ser). This variant is not present in population databases (gnomAD no frequency). This variant has not been reported in the literature in individuals affected with COL2A1-related conditions. ClinVar contains an entry for this variant (Variation ID: 2131579). Invitae Evidence Modeling of protein sequence and biophysical properties (such as structural, functional, and spatial information, amino acid conservation, physicochemical variation, residue mobility, and thermodynamic stability) indicates that this missense variant is expected to disrupt COL2A1 protein function with a positive predictive value of 95%. This variant disrupts the triple helix domain of COL2A1. Glycine residues within the Gly-Xaa-Yaa repeats of the triple helix domain are required for the structure and stability of fibrillar collagens (PMID: 7695699, 8218237, 19344236). In COL2A1, variants affecting these glycine residues are significantly enriched in individuals with disease (PMID: 9016532, 17078022) compared to the general population (ExAC). In summary, the currently available evidence indicates that the variant is pathogenic, but additional data are needed to prove that conclusively. Therefore, this variant has been classified as Likely Pathogenic.

3billion
Classification: Likely pathogenic for Spondyloperipheral dysplasia. Last evaluated: 2024-01-05. Review status: criteria provided, single submitter. Criteria: ACMG Guidelines, 2015. Collection method: clinical testing. Allele origin: germline. Affected: yes.
Comment: The variant is not observed in the gnomAD v2.1.1 dataset. Predicted Consequence/Location: Missense changes are a common disease-causing mechanism. In silico tool predictions suggest damaging effect of the variant on gene or gene product [REVEL: 0.97 (>=0.6, sensitivity 0.68 and specificity 0.92); 3Cnet: 1.00 (>=0.6, sensitivity 0.72 and precision 0.9)]. Same nucleotide change resulting in same amino acid change has been previously reported to be associated with COL2A1 related disorder (ClinVar ID: VCV002131579). Different missense changes at the same codon (p.Gly711Arg, p.Gly711Asp) have been reported as pathogenic/likely pathogenic with strong evidence (ClinVar ID: VCV001199820, VCV002573872 /PMID: 26377240). Therefore, this variant is classified as Likely pathogenic according to the recommendation of ACMG/AMP guideline.

Juno Genomics, Hangzhou Juno Genomics, Inc
Classification: Pathogenic for Multiple epiphyseal dysplasia, Beighton type; Vitreoretinopathy with phalangeal epiphyseal dysplasia; Achondrogenesis type II; Avascular necrosis of femoral head, primary, 1; Spondyloepiphyseal dysplasia with metatarsal shortening; Kniest dysplasia; Legg-Calve-Perthes disease; Namaqualand hip dysplasia; Platyspondylic dysplasia, Torrance type; Spondyloepiphyseal dysplasia congenita; Spondyloepimetaphyseal dysplasia, Strudwick type; Spondyloepiphyseal dysplasia, Stanescu type; Spondyloperipheral dysplasia; Stickler syndrome type 1; Stickler syndrome, type I, nonsyndromic ocular. Review status: criteria provided, single submitter. Criteria: ACMG Guidelines, 2015. Collection method: clinical testing. Allele origin: germline. Affected: yes.
Comment: Absent from controls (or at extremely low frequency if recessive) in Genome Aggregation Database, Exome Sequencing Project, 1000 Genomes Project, or Exome Aggregation Consortium.;Multiple lines of computational evidence support a deleterious effect on the gene or gene product (conservation, evolutionary, splicing impact, etc).;Assumed de novo, but without confirmation of paternity and maternity.;Patient's phenotype or family history is highly specific for a disease with a single genetic etiology.;Located in a mutational hot spot and/or critical and well-established functional domain (e.g. active site of an enzyme) without benign variation.

Literature cited by the submitters: PubMed 9724608 (cited by Ambry Genetics); PubMed 26377240 (cited by Ambry Genetics and 3billion); PubMed 7695699 (cited by Labcorp Genetics (formerly Invitae), Labcorp); PubMed 8218237 (cited by Labcorp Genetics (formerly Invitae), Labcorp); PubMed 19344236 (cited by Labcorp Genetics (formerly Invitae), Labcorp); PubMed 9016532 (cited by Labcorp Genetics (formerly Invitae), Labcorp); PubMed 17078022 (cited by Labcorp Genetics (formerly Invitae), Labcorp).

NM_001844.5(COL2A1):c.2131G>A (p.Gly711Ser)

Gene: COL2A1 (collagen type II alpha 1 chain; minus strand). Cytogenetic location: 12q13.11.
Variant type: single nucleotide variant.
Coding change: c.2131G>A on transcript NM_001844.5 (MANE Select); coding-DNA position 2131, G replaced by A.
Protein change: p.Gly711Ser; replaces glycine 711 with serine.
Molecular consequence: missense variant.
Genome position (GRCh38, 1-based): chr12:47,982,910, C>T on the plus strand (G>A on the coding strand, the complement: COL2A1 is on the minus strand). VCF-style: chr12-47982910-C-T. GRCh37 (hg19) VCF-style: chr12-48376693-C-T.
Other names: c.1924G>A, p.Gly642Ser (NM_033150.3); c.2131G>A (NM_001844.4); short protein forms G642S, G711S.
Identifiers: ClinVar variation 2131579 (VCV002131579.9), dbSNP rs1362360030, ClinGen allele CA384547076.
Genomic context (GRCh38, chr12:47,982,910, plus strand): 5'-TGGGACCATCAGTGCCAGGAGTGCCGGGGAGGCCACGGGGACCCTGGAGGCCCTGGGCAC[C>T]GGGAGAGCCACGTTCACCTGGGAAACCTCGTTCACCCTGCGGCAGAGACACCAAGAAGTG-3'
Protein context (NP_001835.3, residues 701-721): RGFPGERGSP[Gly711Ser]AQGLQGPRGL